The following is an entry in ClinVar:

NM_020975.6(RET):c.304G>C (p.Asp102His)

Gene: RET (ret proto-oncogene; plus strand). Cytogenetic location: 10q11.21.
Variant type: single nucleotide variant.
Coding change: c.304G>C on transcript NM_020975.6 (MANE Select); coding-DNA position 304, G replaced by C.
Protein change: p.Asp102His; replaces aspartic acid 102 with histidine.
Molecular consequence: missense variant. On other transcripts: intron variant (4).
Genome position (GRCh38, 1-based): chr10:43,100,689, G>C. VCF-style: chr10-43100689-G-C. GRCh37 (hg19) VCF-style: chr10-43596137-G-C.
Other names: c.304G>C, p.Asp102His (NM_000323.2, NM_001406743.1, NM_001406744.1 and 34 more transcripts); c.74-8342G>C (NM_001406784.1); c.74-11410G>C (NM_001406794.1, NM_001406792.1, NM_001406793.1); short protein forms D102H.
Identifiers: ClinVar variation 3069567 (VCV003069567.1), dbSNP rs201244749, ClinGen allele CA376770527.
Genomic context (GRCh38, chr10:43,100,689, plus strand): 5'-GAGAACAACTGGATCTGCATCCAGGAGGACACCGGCCTCCTCTACCTTAACCGGAGCCTG[G>C]ACCATAGCTCCTGGGAGAAGCTCAGTGTCCGCAGTAAGGGAGCCGCCCCAACACCCACCC-3'
Protein context (NP_066124.1, residues 92-112): TGLLYLNRSL[Asp102His]HSSWEKLSVR

ClinVar aggregate classification (germline): Uncertain significance (1 of 4 stars; one submission).

Conditions:
Multiple endocrine neoplasia, type 2 (MEN2). Identifiers: Orphanet 653, MedGen C4048306, MONDO:0019003. Disease mechanism: gain of function.

Submission:

All of Us Research Program, National Institutes of Health
Classification: Uncertain significance for Multiple endocrine neoplasia, type 2. Last evaluated: 2023-02-24. Review status: criteria provided, single submitter. Criteria: ACMG Guidelines, 2015. Collection method: clinical testing. Allele origin: germline. Inheritance: Autosomal dominant inheritance. Observed: 1 variant allele, 1 heterozygote.
Comment: This missense variant replaces aspartic acid with histidine at codon 102 of the RET protein. Computational prediction is inconclusive regarding the impact of this variant on protein structure and function (internally defined REVEL score threshold 0.5 < inconclusive < 0.7, PMID: 27666373). To our knowledge, functional studies have not been reported for this variant. This variant has not been reported in individuals affected with RET-related disorders in the literature. This variant has not been identified in the general population by the Genome Aggregation Database (gnomAD). The available evidence is insufficient to determine the role of this variant in disease conclusively. Therefore, this variant is classified as a Variant of Uncertain Significance.

This study involves interpretation of variants in research participants for the purpose of population health screening. Participant phenotype was not available at the time of variant classification. Additional details can be found in publication PMID: 35346344, PMCID: PMC8962531